The following is an entry in ClinVar:

NM_001267550.2(TTN):c.39071C>A (p.Pro13024His)

Gene: TTN (titin; minus strand). Cytogenetic location: 2q31.2.
Variant type: single nucleotide variant.
Coding change: c.39071C>A on transcript NM_001267550.2 (MANE Select); coding-DNA position 39071, C replaced by A.
Protein change: p.Pro13024His; replaces proline 13024 with histidine.
Molecular consequence: missense variant. On other transcripts: intron variant (3).
Genome position (GRCh38, 1-based): chr2:178,652,514, G>T on the plus strand (C>A on the coding strand, the complement: TTN is on the minus strand). VCF-style: chr2-178652514-G-T. GRCh37 (hg19) VCF-style: chr2-179517241-G-T.
Other names: p.P11517H:CCT>CAT; c.34550C>A, p.Pro11517His (NM_001256850.1); c.31769C>A, p.Pro10590His (NM_133378.4); c.13283-10197C>A (NM_003319.4); c.13859-10197C>A (NM_133437.4); c.13658-10197C>A (NM_133432.3); short protein forms P11517H, P13024H, P10590H.
Identifiers: ClinVar variation 202599 (VCV000202599.2), dbSNP rs794729420, ClinGen allele CA309709.

ClinVar aggregate classification (germline): Uncertain significance (1 of 4 stars; one submission).

Allele frequency attached by ClinVar (database versions not stated): TOPMed below 0.00001 and 0.00001; gnomAD 0.00001.
gnomAD v4.1: 1 of 1,613,408 alleles (0.000062%); highest among the groups gnomAD compares: African/African-American, 0.0013%; no homozygotes.

Submission:

GeneDx
Classification: Uncertain significance. Last evaluated: 2013-06-20. Review status: criteria provided, single submitter. Criteria: GeneDx Variant Classification (06012015). Collection method: clinical testing. Allele origin: germline. Affected: yes.
Comment: Missense variants in the TTN gene are considered 'unclassified' if they are not previously reported in the literature and do not have >1% frequency in the population to be considered a polymorphism. Research indicates that truncating mutations in the TTN gene are expected to account for approximately 25% of familial and 18% of sporadic idiopathic DCM; however, truncating variants in the TTN gene have been reported in approximately 3% of reported control alleles. There has been little investigation into non-truncating variants. (Herman D et al. Truncations of titin causing dilated cardiomyopathy. N Eng J Med 366:619-628, 2012) The variant is found in DCM panel(s).